The following is an entry in ClinVar:

NM_001165963.4(SCN1A):c.1660C>T (p.Gln554Ter)

Gene: SCN1A (sodium voltage-gated channel alpha subunit 1; minus strand). Cytogenetic location: 2q24.3.
Variant type: single nucleotide variant.
Coding change: c.1660C>T on transcript NM_001165963.4 (MANE Select); coding-DNA position 1660, C replaced by T.
Protein change: p.Gln554Ter; replaces glutamine 554 with a stop codon.
Molecular consequence: nonsense. On other transcripts: 5 prime UTR variant (1), non-coding transcript variant (1).
Genome position (GRCh38, 1-based): chr2:166,045,045, G>A on the plus strand (C>T on the coding strand, the complement: SCN1A is on the minus strand). VCF-style: chr2-166045045-G-A. GRCh37 (hg19) VCF-style: chr2-166901555-G-A.
Other names: c.1660C>T, p.Gln554Ter (NM_001165964.3, NM_001202435.3, NM_001353948.2 and 7 more transcripts); c.1657C>T, p.Gln553Ter (NM_001353954.2, NM_001353955.2, NM_001353960.2); c.-766C>T (NM_001353961.2); short protein forms Q554*, Q553*.
Identifiers: ClinVar variation 422196 (VCV000422196.2), dbSNP rs1064795620, ClinGen allele CA16617308.

ClinVar aggregate classification (germline): Likely pathogenic (1 of 4 stars; one submission).

Submission:

GeneDx
Classification: Likely pathogenic. Last evaluated: 2016-09-15. Review status: criteria provided, single submitter. Criteria: GeneDx Variant Classification (06012015). Collection method: clinical testing. Allele origin: germline. Affected: yes.
Comment: The Q554X variant has not been published as a pathogenic variant, nor has it been reported as a benign variant to our knowledge. It was not observed in approximately 6,500 individuals of European and African American ancestry in the NHLBI Exome Sequencing Project, indicating it is not a common benign variant in these populations. The Q554X nonsense variant in the SCN1A gene is predicted to cause loss of normal protein function either through protein truncation or nonsense-mediated mRNA decay. Many nonsense variants up-stream and down-stream of the Q554X variant have been reported in the Human Gene Mutation Database in association with SCN1A-related disorder (Stenson et al., 2014). Therefore, this variant is likely pathogenic; however, the possibility that it is benign cannot be excluded.